The following is an entry in ClinVar:

NM_016938.5(EFEMP2):c.919_952dup (p.Pro318fs)

Gene: EFEMP2 (EGF-like fibulin extracellular matrix protein 2; minus strand). Cytogenetic location: 11q13.1.
Variant type: Duplication.
Coding change: c.919_952dup on transcript NM_016938.5 (MANE Select); coding-DNA positions 919 to 952, 34 bases duplicated.
Protein change: p.Pro318fs; shifts the reading frame from proline 318.
Molecular consequence: frameshift variant. On other transcripts: non-coding transcript variant (1).
Genome position (GRCh38, 1-based): chr11:65,868,317-65,868,350, 34 bases duplicated; duplicating any 34 consecutive bases within chr11:65,868,317-65,868,352 gives the same sequence; the c. name uses the placement nearest the transcript's 3' end. GRCh37 (hg19): chr11:65,635,790-65,635,823.
Other names: short protein forms P318fs.
Identifiers: ClinVar variation 1070589 (VCV001070589.7), dbSNP rs2134747667, ClinGen allele CA2499221178.

ClinVar aggregate classification (germline): Pathogenic (1 of 4 stars; one submission).

Conditions:
Cutis laxa, autosomal recessive, type 1B (ARCL1B). Also called: EFEMP2-Related Cutis Laxa; CUTIS LAXA, AUTOSOMAL RECESSIVE, TYPE IB. Identifiers: Orphanet 90349, MedGen C3280798, MONDO:0013754, OMIM 614437. Disease mechanism: loss of function.

Submission:

Labcorp Genetics (formerly Invitae), Labcorp
Classification: Pathogenic for Cutis laxa, autosomal recessive, type 1B. Last evaluated: 2023-05-10. Review status: criteria provided, single submitter. Criteria: Invitae Variant Classification Sherloc (09022015). Collection method: clinical testing. Allele origin: germline.
Comment: For these reasons, this variant has been classified as Pathogenic. ClinVar contains an entry for this variant (Variation ID: 1070589). This variant has not been reported in the literature in individuals affected with EFEMP2-related conditions. This variant is not present in population databases (gnomAD no frequency). This sequence change creates a premature translational stop signal (p.Pro318Leufs*18) in the EFEMP2 gene. It is expected to result in an absent or disrupted protein product. Loss-of-function variants in EFEMP2 are known to be pathogenic (PMID: 17937443).

Literature cited by the submitters: PubMed 17937443.